The following is an entry in ClinVar:

ClinVar aggregate classification (germline): Benign. Review status: criteria provided, multiple submitters, no conflicts (2 of 4 stars). 2 submissions from 2 submitters: Benign (2). Last evaluated 2018-06-14.

Allele frequency attached by ClinVar (database versions not stated): 1000 Genomes Project 30x 0.49172; 1000 Genomes Project 0.49501; TOPMed 0.54416; gnomAD 0.54509 and 0.54792.
gnomAD v4.1: 83,416 of 151,966 alleles (55%); highest among the groups gnomAD compares: Admixed American, 66%; 24,777 homozygotes.

Submissions (2):

GeneDx
Classification: Benign. Last evaluated: 2018-06-14. Review status: criteria provided, single submitter. Criteria: GeneDx Variant Classification (06012015). Collection method: clinical testing. Allele origin: germline. Affected: yes.
Comment: This variant is considered likely benign or benign based on one or more of the following criteria: it is a conservative change, it occurs at a poorly conserved position in the protein, it is predicted to be benign by multiple in silico algorithms, and/or has population frequency not consistent with disease.

Breakthrough Genomics
Classification: Benign. Review status: criteria provided, single submitter. Criteria: ACMG Guidelines, 2015. Collection method: not provided. Allele origin: germline. Inheritance: Autosomal recessive inheritance. Affected: yes.

NM_001377.3(DYNC2H1):c.12156+226T>A

Gene: DYNC2H1 (dynein cytoplasmic 2 heavy chain 1; plus strand). Cytogenetic location: 11q22.3.
Variant type: single nucleotide variant.
Coding change: c.12156+226T>A on transcript NM_001377.3 (MANE Select); 226 bases into the intron after coding-DNA position 12156, T replaced by A.
Molecular consequence: intron variant.
Genome position (GRCh38, 1-based): chr11:103,358,585, T>A. VCF-style: chr11-103358585-T-A. GRCh37 (hg19) VCF-style: chr11-103229313-T-A.
Other names: c.12177+226T>A (NM_001080463.2).
Identifiers: ClinVar variation 667808 (VCV000667808.2), dbSNP rs2514406, ClinGen allele CA15698466.